The following is an entry in ClinVar:

ClinVar aggregate classification (germline): Uncertain significance. Review status: criteria provided, single submitter (1 of 4 stars). 2 submissions from 2 submitters: Uncertain significance (1). 1 of the submissions does not count toward it. Last evaluated 2022-02-12.

Conditions:
Glycogen storage disease type III (GSD3). Also called: FORBES DISEASE; Cori disease. Identifiers: Orphanet 366, MedGen C0017922, MONDO:0009291, OMIM 232400.

Allele frequency attached by ClinVar (database versions not stated): gnomAD exomes below 0.00001; TOPMed below 0.00001.
gnomAD v4.1: 1 of 1,614,098 alleles (0.000062%); highest among the groups gnomAD compares: African/African-American, 0.0013%; no homozygotes.

Submissions (2):

Labcorp Genetics (formerly Invitae), Labcorp
Classification: Uncertain significance for Glycogen storage disease type III. Last evaluated: 2022-02-12. Review status: criteria provided, single submitter. Criteria: Invitae Variant Classification Sherloc (09022015). Collection method: clinical testing. Allele origin: germline.
Comment: In summary, the available evidence is currently insufficient to determine the role of this variant in disease. Therefore, it has been classified as a Variant of Uncertain Significance. Algorithms developed to predict the effect of missense changes on protein structure and function are either unavailable or do not agree on the potential impact of this missense change (SIFT: "Deleterious"; PolyPhen-2: "Possibly Damaging"; Align-GVGD: "Class C0"). ClinVar contains an entry for this variant (Variation ID: 1038563). This variant has not been reported in the literature in individuals affected with AGL-related conditions. This variant is not present in population databases (gnomAD no frequency). This sequence change replaces valine, which is neutral and non-polar, with glycine, which is neutral and non-polar, at codon 261 of the AGL protein (p.Val261Gly).

Natera, Inc.
Classification: Uncertain significance for Glycogen storage disease type III. Last evaluated: 2020-07-13. Review status: no assertion criteria provided. Collection method: clinical testing. Allele origin: germline. Not counted in ClinVar's aggregate classification.

NM_000642.3(AGL):c.782T>G (p.Val261Gly)

Gene: AGL (amylo-alpha-1,6-glucosidase and 4-alpha-glucanotransferase; plus strand). Cytogenetic location: 1p21.2.
Variant type: single nucleotide variant.
Coding change: c.782T>G on transcript NM_000642.3 (MANE Select); coding-DNA position 782, T replaced by G.
Protein change: p.Val261Gly; replaces valine 261 with glycine.
Molecular consequence: missense variant.
Genome position (GRCh38, 1-based): chr1:99,870,517, T>G. VCF-style: chr1-99870517-T-G. GRCh37 (hg19) VCF-style: chr1-100336073-T-G.
Other names: c.782T>G, p.Val261Gly (NM_000028.3, NM_000643.3, NM_000644.3 and 3 more transcripts); c.734T>G, p.Val245Gly (NM_000646.3); c.578T>G, p.Val193Gly (NM_001425328.1, NM_001425329.1); c.404T>G, p.Val135Gly (NM_001425332.1); short protein forms V245G, V261G, V135G, V193G.
Identifiers: ClinVar variation 1038563 (VCV001038563.13), dbSNP rs1571243125, ClinGen allele CA341339973.